The following is an entry in ClinVar:

NM_001375808.2(LPIN2):c.1456+4C>G

Gene: LPIN2 (lipin 2; minus strand). Cytogenetic location: 18p11.31.
Variant type: single nucleotide variant.
Coding change: c.1456+4C>G on transcript NM_001375808.2 (MANE Select); 4 bases into the intron after coding-DNA position 1456, C replaced by G.
Molecular consequence: intron variant.
Genome position (GRCh38, 1-based): chr18:2,931,252, G>C on the plus strand (C>G on the coding strand, the complement: LPIN2 is on the minus strand). VCF-style: chr18-2931252-G-C. GRCh37 (hg19) VCF-style: chr18-2931250-G-C.
Other names: c.1456+4C>G (NM_014646.2, NM_001375809.1).
Identifiers: ClinVar variation 326638 (VCV000326638.43), dbSNP rs373685201, ClinGen allele CA8873108.
Genomic context (GRCh38, chr18:2,931,252, plus strand): 5'-TTTTAACCAAGTGATGACCAGATTGCTCTCTGAAATGAAGATGGGGCACAAACACCCAAC[G>C]TACCTTTTGAAATTTCTCCATTTTCACTGAGGCCCCCGCAAAGGGAGAGGGTAACGTCAG-3'

ClinVar aggregate classification (germline): Conflicting classifications of pathogenicity. Review status: criteria provided, conflicting classifications (1 of 4 stars). 6 submissions from 6 submitters: Uncertain significance (3); Benign (1); Likely benign (1). 1 of the submissions does not count toward it. Last evaluated 2024-01-22.

Conditions:
LPIN2-related disorder. Also called: LPIN2-related condition.
Majeed syndrome (MJDS). Also called: LPIN2-Related Majeed Syndrome; CHRONIC RECURRENT MULTIFOCAL OSTEOMYELITIS 1, WITH CONGENITAL DYSERYTHROPOIETIC ANEMIA, WITH OR WITHOUT NEUTROPHILIC DERMATOSIS. Identifiers: Orphanet 77297, MedGen C1864997, MONDO:0012316, OMIM 609628.

Allele frequency attached by ClinVar (database versions not stated): gnomAD 0.00004; ESP Exome Variant Server 0.00008; 1000 Genomes Project 30x 0.00016; 1000 Genomes Project 0.00020; TOPMed 0.00002.
gnomAD v4.1: 67 of 1,613,936 alleles (0.0042%); highest among the groups gnomAD compares: Middle Eastern, 0.16%; 1 homozygote.

Submissions (6):

Labcorp Genetics (formerly Invitae), Labcorp
Classification: Uncertain significance for Majeed syndrome. Last evaluated: 2024-01-22. Review status: criteria provided, single submitter. Criteria: Invitae Variant Classification Sherloc (09022015). Collection method: clinical testing. Allele origin: germline.
Comment: This sequence change falls in intron 9 of the LPIN2 gene. It does not directly change the encoded amino acid sequence of the LPIN2 protein. It affects a nucleotide within the consensus splice site. This variant is present in population databases (rs373685201, gnomAD 0.05%), including at least one homozygous and/or hemizygous individual. This variant has not been reported in the literature in individuals affected with LPIN2-related conditions. ClinVar contains an entry for this variant (Variation ID: 326638). Variants that disrupt the consensus splice site are a relatively common cause of aberrant splicing (PMID: 17576681, 9536098). Algorithms developed to predict the effect of sequence changes on RNA splicing suggest that this variant is not likely to affect RNA splicing. In summary, the available evidence is currently insufficient to determine the role of this variant in disease. Therefore, it has been classified as a Variant of Uncertain Significance.

CeGaT Center for Human Genetics Tuebingen
Classification: Likely benign. Last evaluated: 2022-07-01. Review status: criteria provided, single submitter. Criteria: CeGaT Center For Human Genetics Tuebingen Variant Classification Criteria Version 2. Collection method: clinical testing. Allele origin: germline. Affected: yes. Observed: 1 variant allele.
Comment: LPIN2: BP4

ARUP Laboratories, Molecular Genetics and Genomics, ARUP Laboratories
Classification: Uncertain significance for Majeed syndrome. Last evaluated: 2018-10-02. Review status: criteria provided, single submitter. Criteria: ARUP Molecular Germline Variant Investigation Process. Collection method: clinical testing. Allele origin: germline.
Comment: The LPIN2 c.1456+4C>G variant (rs373685201), to our knowledge, is not reported in the medical literature or in gene-specific databases. The variant is reported in the ClinVar database (Variation ID: 326638) and in the South Asian population with an overall allele frequency of 0.05% (16/30744 alleles, including 1 homozygotes) in the Genome Aggregation Database. This is an intronic variant, the nucleotide at this position is not conserved, and computational algorithms predict this variant may impact splicing by creating a novel donor splice site (Alamut v.2.11). Considering available information, the clinical significance of this variant is uncertain. Pathogenic LPIN2 variants are causative for autosomal recessive Majeed syndrome (MIM: 609628).

Illumina Laboratory Services, Illumina
Classification: Uncertain significance for Majeed syndrome. Last evaluated: 2018-01-13. Review status: criteria provided, single submitter. Criteria: ICSL Variant Classification Criteria 13 December 2019. Collection method: clinical testing. Allele origin: germline.

GeneDx
Classification: Benign. Last evaluated: 2015-03-03. Review status: criteria provided, single submitter. Criteria: GeneDx Variant Classification Process June 2021. Collection method: clinical testing. Allele origin: germline. Affected: yes.

PreventionGenetics, part of Exact Sciences
Classification: Likely benign for LPIN2-related condition. Last evaluated: 2019-07-19. Review status: no assertion criteria provided. Collection method: clinical testing. Allele origin: germline. Not counted in ClinVar's aggregate classification.
Comment: This variant is classified as likely benign based on ACMG/AMP sequence variant interpretation guidelines (Richards et al. 2015 PMID: 25741868, with internal and published modifications).

Literature cited by the submitters: PubMed 17576681 (cited by Labcorp Genetics (formerly Invitae), Labcorp); PubMed 9536098 (cited by Labcorp Genetics (formerly Invitae), Labcorp).